The following is an entry in ClinVar:

ClinVar aggregate classification (germline): Uncertain significance (1 of 4 stars; one submission).

Submission:

Women's Health and Genetics/Laboratory Corporation of America, LabCorp
Classification: Uncertain significance. Last evaluated: 2024-08-14. Review status: criteria provided, single submitter. Criteria: LabCorp Variant Classification Summary - May 2015. Collection method: clinical testing. Allele origin: germline.
Comment: Variant summary: NBEAL2 c.6198+3G>A alters a non-conserved nucleotide located close to a canonical splice site and therefore could affect mRNA splicing, leading to a significantly altered protein sequence. Consensus agreement among computation tools predict no significant impact on normal splicing. However, these predictions have yet to be confirmed by functional studies. The variant was absent in 229792 control chromosomes (gnomAD). The available data on variant occurrences in the general population are insufficient to allow any conclusion about variant significance. To our knowledge, no occurrence of c.6198+3G>A in individuals affected with Gray Platelet Syndrome and no experimental evidence demonstrating its impact on protein function have been reported. No submitters have cited clinical-significance assessments for this variant to ClinVar. Based on the evidence outlined above, the variant was classified as uncertain significance.

NM_015175.3(NBEAL2):c.6198+3G>A

Gene: NBEAL2 (neurobeachin like 2; plus strand). Cytogenetic location: 3p21.31.
Variant type: single nucleotide variant.
Coding change: c.6198+3G>A on transcript NM_015175.3 (MANE Select); 3 bases into the intron after coding-DNA position 6198, G replaced by A.
Molecular consequence: intron variant.
Genome position (GRCh38, 1-based): chr3:47,004,396, G>A. VCF-style: chr3-47004396-G-A. GRCh37 (hg19) VCF-style: chr3-47045886-G-A.
Other names: c.6096+3G>A (NM_001365116.2).
Identifiers: ClinVar variation 3366808 (VCV003366808.1).